The following is an entry in ClinVar:

ClinVar aggregate classification (germline): Uncertain significance. Review status: criteria provided, multiple submitters, no conflicts (2 of 4 stars). 2 submissions from 2 submitters: Uncertain significance (2). Last evaluated 2026-02-12.

Conditions:
Hereditary breast ovarian cancer syndrome. Also called: Hereditary breast and/or ovarian cancer syndrome; Breast and ovarian cancer; Hereditary breast and ovarian cancer; Hereditary breast and ovarian cancer syndrome (HBOC); Hereditary breast and ovarian cancer syndrome; BRCA1- and BRCA2-Associated Hereditary Breast and Ovarian Cancer. Identifiers: Orphanet 145, MedGen C0677776, MeSH D061325, MONDO:0003582. Disease mechanism: loss of function.
Hereditary cancer-predisposing syndrome. Also called: Neoplastic Syndromes, Hereditary; Hereditary neoplastic syndrome; Tumor predisposition; Hereditary Cancer Syndrome. Identifiers: Orphanet 140162, MedGen C0027672, MeSH D009386, MONDO:0015356.

Submissions (2):

Ambry Genetics
Classification: Uncertain significance for Hereditary cancer-predisposing syndrome. Last evaluated: 2026-02-12. Review status: criteria provided, single submitter. Criteria: Ambry Variant Classification Scheme 2023. Collection method: clinical testing. Allele origin: germline.
Comment: The p.D2583H variant (also known as c.7747G>C), located in coding exon 15 of the BRCA2 gene, results from a G to C substitution at nucleotide position 7747. The aspartic acid at codon 2583 is replaced by histidine, an amino acid with similar properties. Two saturation genome editing-based studies, including a haploid cell-survival assay and a humanized mouse embryonic stem cell line assay of drug response and survival, demonstrated this nucleotide substitution to be non-functional (Huang H et al. Nature. 2025 Feb;638(8050):528-537; Sahu S et al. Nature. 2025 Feb;638(8050):538-545). However, another functional assay of homology directed repair demonstrated that this variant may have an intermediate impact, and in addition, an endogeneous cell viability assay found a neutral impact for this variant (Ambry internal data). Therefore, due to conflicting evidence, additional studies are needed to confirm the functional impact of this alteration. This amino acid position is highly conserved in available vertebrate species. In addition, this alteration is predicted to be deleterious by in silico analysis. Since supporting evidence is limited at this time, the clinical significance of this alteration remains unclear.

Labcorp Genetics (formerly Invitae), Labcorp
Classification: Uncertain significance for Hereditary breast ovarian cancer syndrome. Last evaluated: 2022-07-05. Review status: criteria provided, single submitter. Criteria: Invitae Variant Classification Sherloc (09022015). Collection method: clinical testing. Allele origin: germline.
Comment: Advanced modeling of protein sequence and biophysical properties (such as structural, functional, and spatial information, amino acid conservation, physicochemical variation, residue mobility, and thermodynamic stability) performed at Invitae indicates that this missense variant is expected to disrupt BRCA2 protein function. In summary, the available evidence is currently insufficient to determine the role of this variant in disease. Therefore, it has been classified as a Variant of Uncertain Significance. ClinVar contains an entry for this variant (Variation ID: 657936). This variant has not been reported in the literature in individuals affected with BRCA2-related conditions. This variant is not present in population databases (gnomAD no frequency). This sequence change replaces aspartic acid, which is acidic and polar, with histidine, which is basic and polar, at codon 2583 of the BRCA2 protein (p.Asp2583His).

NM_000059.4(BRCA2):c.7747G>C (p.Asp2583His)

Gene: BRCA2 (BRCA2 DNA repair associated; plus strand). Cytogenetic location: 13q13.1.
Variant type: single nucleotide variant.
Coding change: c.7747G>C on transcript NM_000059.4 (MANE Select); coding-DNA position 7747, G replaced by C.
Protein change: p.Asp2583His; replaces aspartic acid 2583 with histidine.
Molecular consequence: missense variant.
Genome position (GRCh38, 1-based): chr13:32,357,871, G>C. VCF-style: chr13-32357871-G-C. GRCh37 (hg19) VCF-style: chr13-32932008-G-C.
Other names: short protein forms D2583H.
Identifiers: ClinVar variation 657936 (VCV000657936.13), dbSNP rs1593920952, ClinGen allele CA387745693.
Genomic context (GRCh38, chr13:32,357,871, plus strand): 5'-CACACTGAAGATTATTTTGGTAAGGAAAGTTTATGGACTGGAAAAGGAATACAGTTGGCT[G>C]ATGGTGGATGGCTCATACCCTCCAATGATGGAAAGGCTGGAAAAGAAGAATTTTATAGGT-3'
Protein context (NP_000050.3, residues 2573-2593): LWTGKGIQLA[Asp2583His]GGWLIPSNDG